The following is an entry in ClinVar:

ClinVar aggregate classification (germline): Likely benign (0 of 4 stars; one submission).

Conditions:
PKD1-related disorder. Also called: PKD1-related condition.

Allele frequency attached by ClinVar (database versions not stated): ExAC 0.00003; gnomAD 0.00003; TOPMed 0.00007; ESP Exome Variant Server 0.00008.
gnomAD v4.1: 15 of 1,611,342 alleles (0.00093%); highest among the groups gnomAD compares: African/African-American, 0.013%; no homozygotes.

Submission:

PreventionGenetics, part of Exact Sciences
Classification: Likely benign for PKD1-related condition. Last evaluated: 2021-06-21. Review status: no assertion criteria provided. Collection method: clinical testing. Allele origin: germline.
Comment: This variant is classified as likely benign based on ACMG/AMP sequence variant interpretation guidelines (Richards et al. 2015 PMID: 25741868, with internal and published modifications).

NM_001009944.3(PKD1):c.10341C>T (p.Gly3447=)

Gene: PKD1 (polycystin 1, transient receptor potential channel interacting; minus strand). Cytogenetic location: 16p13.3.
Variant type: single nucleotide variant.
Coding change: c.10341C>T on transcript NM_001009944.3 (MANE Select); coding-DNA position 10341, C replaced by T.
Protein change: p.Gly3447=; no amino-acid change (glycine 3447 retained).
Molecular consequence: synonymous variant.
Genome position (GRCh38, 1-based): chr16:2,097,383, G>A on the plus strand (C>T on the coding strand, the complement: PKD1 is on the minus strand). VCF-style: chr16-2097383-G-A. GRCh37 (hg19) VCF-style: chr16-2147384-G-A.
Other names: c.10338C>T, p.Gly3446= (NM_000296.4).
Identifiers: ClinVar variation 3031662 (VCV003031662.2), dbSNP rs371003475, ClinGen allele CA7829649.